The following is an entry in ClinVar:

NM_014704.4(CEP104):c.60T>C (p.Ser20=)

Gene: CEP104 (centrosomal protein 104; minus strand). Cytogenetic location: 1p36.32.
Variant type: single nucleotide variant.
Coding change: c.60T>C on transcript NM_014704.4 (MANE Select); coding-DNA position 60, T replaced by C.
Protein change: p.Ser20=; no amino-acid change (serine 20 retained).
Molecular consequence: synonymous variant.
Genome position (GRCh38, 1-based): chr1:3,852,348, A>G on the plus strand (T>C on the coding strand, the complement: CEP104 is on the minus strand). VCF-style: chr1-3852348-A-G. GRCh37 (hg19) VCF-style: chr1-3768912-A-G.
Identifiers: ClinVar variation 3030120 (VCV003030120.2), dbSNP rs770861675, ClinGen allele CA552079.

ClinVar aggregate classification (germline): Likely benign (0 of 4 stars; one submission).

Conditions:
CEP104-related disorder. Also called: CEP104-related condition.

Allele frequency attached by ClinVar (database versions not stated): gnomAD exomes below 0.00001.
gnomAD v4.1: 5 of 1,613,926 alleles (0.00031%); highest among the groups gnomAD compares: Non-Finnish European, 0.00042%; no homozygotes.

Submission:

PreventionGenetics, part of Exact Sciences
Classification: Likely benign for CEP104-related condition. Last evaluated: 2021-02-23. Review status: no assertion criteria provided. Collection method: clinical testing. Allele origin: germline.
Comment: This variant is classified as likely benign based on ACMG/AMP sequence variant interpretation guidelines (Richards et al. 2015 PMID: 25741868, with internal and published modifications).